The following is an entry in ClinVar:

NM_000057.4(BLM):c.2922C>G (p.Tyr974Ter)

Gene: BLM (BLM RecQ like helicase; plus strand). Cytogenetic location: 15q26.1.
Variant type: single nucleotide variant.
Coding change: c.2922C>G on transcript NM_000057.4 (MANE Select); coding-DNA position 2922, C replaced by G.
Protein change: p.Tyr974Ter; replaces tyrosine 974 with a stop codon.
Molecular consequence: nonsense.
Genome position (GRCh38, 1-based): chr15:90,790,747, C>G. VCF-style: chr15-90790747-C-G. GRCh37 (hg19) VCF-style: chr15-91333977-C-G.
Other names: c.2922C>G, p.Tyr974Ter (NM_001287246.2, NM_001287247.2); c.1797C>G, p.Tyr599Ter (NM_001287248.2); short protein forms Y599*, Y974*.
Identifiers: ClinVar variation 5005485 (VCV005005485.2).

ClinVar aggregate classification (germline): Likely pathogenic (1 of 4 stars; one submission).

Conditions:
Bloom syndrome (BLM). Also called: Bloom-Torre-Machacek syndrome. Identifiers: Orphanet 125, MedGen C0005859, MONDO:0008876, OMIM 210900.

Submission:

Juno Genomics, Hangzhou Juno Genomics, Inc
Classification: Likely pathogenic for Bloom syndrome. Review status: criteria provided, single submitter. Criteria: ACMG Guidelines, 2015. Collection method: clinical testing. Allele origin: germline.
Comment: Null variant in a gene where loss of function (LOF) is a known mechanism of disease.;Absent from controls (or at extremely low frequency if recessive) in Genome Aggregation Database.